The following is an entry in ClinVar:

NM_001371727.1(GABRB2):c.754C>G (p.Pro252Ala)

Gene: GABRB2 (gamma-aminobutyric acid type A receptor subunit beta2; minus strand). Cytogenetic location: 5q34.
Variant type: single nucleotide variant.
Coding change: c.754C>G on transcript NM_001371727.1 (MANE Select); coding-DNA position 754, C replaced by G.
Protein change: p.Pro252Ala; replaces proline 252 with alanine.
Molecular consequence: missense variant.
Genome position (GRCh38, 1-based): chr5:161,334,830, G>C on the plus strand (C>G on the coding strand, the complement: GABRB2 is on the minus strand). VCF-style: chr5-161334830-G-C. GRCh37 (hg19) VCF-style: chr5-160761837-G-C.
Other names: c.754C>G, p.Pro252Ala (NM_000813.3, NM_021911.3); short protein forms P252A.
Identifiers: ClinVar variation 224810 (VCV000224810.3), dbSNP rs869312861, ClinGen allele CA357915.

ClinVar aggregate classification (germline): Likely pathogenic. Review status: criteria provided, single submitter (1 of 4 stars). 2 submissions from 2 submitters: Likely pathogenic (1). 1 of the submissions does not count toward it. Last evaluated 2015-09-09.

Conditions:
Developmental and epileptic encephalopathy 92. Also called: EPILEPTIC ENCEPHALOPATHY, INFANTILE OR EARLY CHILDHOOD, 2. Identifiers: MedGen C4693362, MONDO:0020631, OMIM 617829.
Cerebral visual impairment and intellectual disability.

Submissions (2):

Lupski Lab, Baylor-Hopkins CMG, Baylor College of Medicine
Classification: Likely pathogenic for Cerebral visual impairment and intellectual disability. Last evaluated: 2015-09-09. Review status: criteria provided, single submitter. Criteria: Bosch et al. (EJHG 2015). Collection method: research. Allele origin: de novo. Affected: yes. Observed: 1 variant allele, 1 heterozygote.
Comment: This study shows that diverse genetic causes underlie CVI.

Solve-RD Consortium
Classification: Likely pathogenic for Developmental and epileptic encephalopathy 92. Last evaluated: 2022-06-01. Review status: no assertion criteria provided. Collection method: provider interpretation. Allele origin: inherited. Affected: yes. Not counted in ClinVar's aggregate classification.
Comment: Variant confirmed as disease-causing by referring clinical team

Variant identified during reanalysis of unsolved cases by the Solve-RD project. The Solve-RD project has received funding from the European Union’s Horizon 2020 research and innovation programme under grant agreement No 779257.

Literature cited by the submitters: PubMed 39825153 (cited by Solve-RD Consortium).